The following is an entry in ClinVar:

ClinVar aggregate classification (germline): Conflicting classifications of pathogenicity. Review status: criteria provided, conflicting classifications (1 of 4 stars). 4 submissions from 4 submitters: Uncertain significance (3); Likely benign (1). Last evaluated 2022-07-01.

Conditions:
Primary ciliary dyskinesia. Also called: Ciliary dyskinesia. Identifiers: Orphanet 244, MedGen C0008780, MONDO:0016575, HP:0012265.
Kartagener syndrome (CILD1). Also called: Dextrocardia bronchiectasis and sinusitis; POLYNESIAN BRONCHIECTASIS; SIEWERT SYNDROME; CILIARY DYSKINESIA, PRIMARY, 1; CILIARY DYSKINESIA, PRIMARY, 1, WITH OR WITHOUT SITUS INVERSUS; IMMOTILE CILIA SYNDROME. Identifiers: Orphanet 244, MedGen C4551906, MONDO:0009484, OMIM 244400.

Allele frequency attached by ClinVar (database versions not stated): ExAC 0.00005; gnomAD exomes 0.00005 and 0.00011; TOPMed 0.00008; gnomAD 0.00009; ESP Exome Variant Server 0.00015.
gnomAD v4.1: 181 of 1,614,054 alleles (0.011%); highest among the groups gnomAD compares: Non-Finnish European, 0.014%; 1 homozygote.

Submissions (4):

CeGaT Center for Human Genetics Tuebingen
Classification: Uncertain significance. Last evaluated: 2022-07-01. Review status: criteria provided, single submitter. Criteria: CeGaT Center For Human Genetics Tuebingen Variant Classification Criteria Version 2. Collection method: clinical testing. Allele origin: germline. Affected: yes. Observed: 1 variant allele.
Comment: DNAI1: PM2, BP4

Labcorp Genetics (formerly Invitae), Labcorp
Classification: Uncertain significance for Primary ciliary dyskinesia. Last evaluated: 2022-04-02. Review status: criteria provided, single submitter. Criteria: Invitae Variant Classification Sherloc (09022015). Collection method: clinical testing. Allele origin: germline.
Comment: This sequence change replaces threonine, which is neutral and polar, with methionine, which is neutral and non-polar, at codon 213 of the DNAI1 protein (p.Thr213Met). This variant is present in population databases (rs201754555, gnomAD 0.01%). This variant has not been reported in the literature in individuals affected with DNAI1-related conditions. ClinVar contains an entry for this variant (Variation ID: 366687). Algorithms developed to predict the effect of missense changes on protein structure and function output the following: SIFT: "Tolerated"; PolyPhen-2: "Benign"; Align-GVGD: "Class C0". The methionine amino acid residue is found in multiple mammalian species, which suggests that this missense change does not adversely affect protein function. In summary, the available evidence is currently insufficient to determine the role of this variant in disease. Therefore, it has been classified as a Variant of Uncertain Significance.

Ambry Genetics
Classification: Likely benign for Primary ciliary dyskinesia. Last evaluated: 2022-03-04. Review status: criteria provided, single submitter. Criteria: Ambry Variant Classification Scheme 2023. Collection method: clinical testing. Allele origin: germline.

Illumina Laboratory Services, Illumina
Classification: Uncertain significance for Kartagener syndrome. Last evaluated: 2018-01-13. Review status: criteria provided, single submitter. Criteria: ICSL Variant Classification Criteria 13 December 2019. Collection method: clinical testing. Allele origin: germline.

NM_012144.4(DNAI1):c.638C>T (p.Thr213Met)

Gene: DNAI1 (dynein axonemal intermediate chain 1; plus strand). Cytogenetic location: 9p13.3.
Variant type: single nucleotide variant.
Coding change: c.638C>T on transcript NM_012144.4 (MANE Select); coding-DNA position 638, C replaced by T.
Protein change: p.Thr213Met; replaces threonine 213 with methionine.
Molecular consequence: missense variant.
Genome position (GRCh38, 1-based): chr9:34,491,511, C>T. VCF-style: chr9-34491511-C-T. GRCh37 (hg19) VCF-style: chr9-34491509-C-T.
Other names: c.650C>T, p.Thr217Met (NM_001281428.2); short protein forms T213M, T217M.
Identifiers: ClinVar variation 366687 (VCV000366687.40), dbSNP rs201754555, ClinGen allele CA5034133.